The following is an entry in ClinVar:

NM_024678.6(NARS2):c.722C>T (p.Thr241Ile)

Gene: NARS2 (asparaginyl-tRNA synthetase 2, mitochondrial; minus strand). Cytogenetic location: 11q14.1.
Variant type: single nucleotide variant.
Coding change: c.722C>T on transcript NM_024678.6 (MANE Select); coding-DNA position 722, C replaced by T.
Protein change: p.Thr241Ile; replaces threonine 241 with isoleucine.
Molecular consequence: missense variant.
Genome position (GRCh38, 1-based): chr11:78,493,163, G>A on the plus strand (C>T on the coding strand, the complement: NARS2 is on the minus strand). VCF-style: chr11-78493163-G-A. GRCh37 (hg19) VCF-style: chr11-78204209-G-A.
Other names: c.41C>T, p.Thr14Ile (NM_001243251.2); short protein forms T14I, T241I.
Identifiers: ClinVar variation 1716358 (VCV001716358.5), dbSNP rs1565235155, ClinGen allele CA382177407.
Genomic context (GRCh38, chr11:78,493,163, plus strand): 5'-GCTTCTATCATATAAAACTCTGCCAGGTGCCTCCGGCTCTGAGAATTTTCAGCTCGGAAG[G>A]TCGGACCAAAGGTAAACACTTGAGTAAAAGCTCTGCAATTCAAGATTAAGAGAATGCAAA-3'
Protein context (NP_078954.4, residues 231-251): AFTQVFTFGP[Thr241Ile]FRAENSQSRR

ClinVar aggregate classification (germline): Uncertain significance (1 of 4 stars; one submission).

Submission:

Labcorp Genetics (formerly Invitae), Labcorp
Classification: Uncertain significance. Last evaluated: 2022-08-21. Review status: criteria provided, single submitter. Criteria: Invitae Variant Classification Sherloc (09022015). Collection method: clinical testing. Allele origin: germline.
Comment: This variant has not been reported in the literature in individuals affected with NARS2-related conditions. In summary, the available evidence is currently insufficient to determine the role of this variant in disease. Therefore, it has been classified as a Variant of Uncertain Significance. Algorithms developed to predict the effect of missense changes on protein structure and function are either unavailable or do not agree on the potential impact of this missense change (SIFT: "Deleterious"; PolyPhen-2: "Possibly Damaging"; Align-GVGD: "Class C0"). This variant is not present in population databases (gnomAD no frequency). This sequence change replaces threonine, which is neutral and polar, with isoleucine, which is neutral and non-polar, at codon 241 of the NARS2 protein (p.Thr241Ile).